The following is an entry in ClinVar:

ClinVar aggregate classification (germline): Uncertain significance (1 of 4 stars; one submission).

Allele frequency attached by ClinVar (database versions not stated): gnomAD 0.00001; ExAC 0.00002; gnomAD exomes 0.00002; TOPMed 0.00002.

Submission:

Labcorp Genetics (formerly Invitae), Labcorp
Classification: Uncertain significance. Last evaluated: 2025-08-21. Review status: criteria provided, single submitter. Criteria: Invitae Variant Classification Sherloc (09022015). Collection method: clinical testing. Allele origin: germline.
Comment: This sequence change replaces arginine, which is basic and polar, with cysteine, which is neutral and slightly polar, at codon 399 of the CEP250 protein (p.Arg399Cys). This variant is present in population databases (rs756430899, gnomAD 0.008%). This variant has not been reported in the literature in individuals affected with CEP250-related conditions. ClinVar contains an entry for this variant (Variation ID: 964648). An algorithm developed to predict the effect of missense changes on protein structure and function (PolyPhen-2) suggests that this variant is likely to be disruptive. In summary, the available evidence is currently insufficient to determine the role of this variant in disease. Therefore, it has been classified as a Variant of Uncertain Significance.

NM_007186.6(CEP250):c.1195C>T (p.Arg399Cys)

Genes: CEP250 (centrosomal protein 250; plus strand), CEP250-AS1 (CEP250 antisense RNA 1; minus strand). Cytogenetic location: 20q11.22.
Variant type: single nucleotide variant.
Coding change: c.1195C>T on transcript NM_007186.6 (MANE Select); coding-DNA position 1195, C replaced by T.
Protein change: p.Arg399Cys; replaces arginine 399 with cysteine.
Molecular consequence: missense variant. On other transcripts: 5 prime UTR variant (1).
Genome position (GRCh38, 1-based): chr20:35,472,817, C>T. VCF-style: chr20-35472817-C-T. GRCh37 (hg19) VCF-style: chr20-34060642-C-T.
Other names: c.-705C>T (NM_001318219.1); short protein forms R399C.
Identifiers: ClinVar variation 964648 (VCV000964648.7), dbSNP rs756430899, ClinGen allele CA9832837.